The following is an entry in ClinVar:

ClinVar aggregate classification (germline): Uncertain significance. Review status: criteria provided, multiple submitters, no conflicts (2 of 4 stars). 2 submissions from 2 submitters: Uncertain significance (2). Last evaluated 2026-01-28.

Conditions:
Neurodevelopmental disorder with or without hyperkinetic movements and seizures, autosomal dominant. Also called: Intellectual disability, autosomal dominant 8. Identifiers: MedGen C3280282, MONDO:0013655, OMIM 614254.
Inborn genetic diseases. Identifiers: MedGen C0950123, MeSH D030342.

Submissions (2):

Labcorp Genetics (formerly Invitae), Labcorp
Classification: Uncertain significance for Neurodevelopmental disorder with or without hyperkinetic movements and seizures, autosomal dominant. Last evaluated: 2026-01-28. Review status: criteria provided, single submitter. Criteria: Invitae Variant Classification Sherloc (09022015). Collection method: clinical testing. Allele origin: germline.
Comment: This sequence change replaces glycine, which is neutral and non-polar, with valine, which is neutral and non-polar, at codon 445 of the GRIN1 protein (p.Gly445Val). This variant is not present in population databases (gnomAD no frequency). This variant has not been reported in the literature in individuals affected with GRIN1-related conditions. ClinVar contains an entry for this variant (Variation ID: 4267031). Invitae Evidence Modeling of protein sequence and biophysical properties (such as structural, functional, and spatial information, amino acid conservation, physicochemical variation, residue mobility, and thermodynamic stability) has been performed for this missense variant. However, the output from this modeling did not meet the statistical confidence thresholds required to predict the impact of this variant on GRIN1 protein function. In summary, the available evidence is currently insufficient to determine the role of this variant in disease. Therefore, it has been classified as a Variant of Uncertain Significance.

Ambry Genetics
Classification: Uncertain significance for Inborn genetic diseases. Last evaluated: 2025-08-29. Review status: criteria provided, single submitter. Criteria: Ambry Variant Classification Scheme 2023. Collection method: clinical testing. Allele origin: germline.

NM_007327.4(GRIN1):c.1334G>T (p.Gly445Val)

Gene: GRIN1 (glutamate ionotropic receptor NMDA type subunit 1; plus strand). Cytogenetic location: 9q34.3.
Variant type: single nucleotide variant.
Coding change: c.1334G>T on transcript NM_007327.4 (MANE Select); coding-DNA position 1334, G replaced by T.
Protein change: p.Gly445Val; replaces glycine 445 with valine.
Molecular consequence: missense variant.
Genome position (GRCh38, 1-based): chr9:137,161,192, G>T. VCF-style: chr9-137161192-G-T. GRCh37 (hg19) VCF-style: chr9-140055644-G-T.
Other names: c.1334G>T, p.Gly445Val (NM_000832.7, NM_021569.4); c.1397G>T, p.Gly466Val (NM_001185090.2, NM_001185091.2, NM_001437330.1 and 1 more transcripts); short protein forms G445V, G466V.
Identifiers: ClinVar variation 4267031 (VCV004267031.2).